The following is an entry in ClinVar:

NM_005228.5(EGFR):c.521G>A (p.Ser174Asn)

Gene: EGFR (epidermal growth factor receptor; plus strand). Cytogenetic location: 7p11.2.
Variant type: single nucleotide variant.
Coding change: c.521G>A on transcript NM_005228.5 (MANE Select); coding-DNA position 521, G replaced by A.
Protein change: p.Ser174Asn; replaces serine 174 with asparagine.
Molecular consequence: missense variant. On other transcripts: intron variant (3).
Genome position (GRCh38, 1-based): chr7:55,146,702, G>A. VCF-style: chr7-55146702-G-A. GRCh37 (hg19) VCF-style: chr7-55214395-G-A.
Other names: c.521G>A, p.Ser174Asn (NM_001346898.2, NM_201282.2, NM_201283.2 and 1 more transcripts); c.362G>A, p.Ser121Asn (NM_001346900.2); c.424+3214G>A (NM_001346899.2, NM_001346897.2); c.89-9128G>A (NM_001346941.2); short protein forms S121N, S174N.
Identifiers: ClinVar variation 2061976 (VCV002061976.4), dbSNP rs2128929577, ClinGen allele CA367576671.

ClinVar aggregate classification (germline): Uncertain significance (1 of 4 stars; one submission).

Conditions:
EGFR-related lung cancer (EGFR). Identifiers: MedGen CN130014.

Submission:

Labcorp Genetics (formerly Invitae), Labcorp
Classification: Uncertain significance for EGFR-related lung cancer. Last evaluated: 2025-07-18. Review status: criteria provided, single submitter. Criteria: Invitae Variant Classification Sherloc (09022015). Collection method: clinical testing. Allele origin: germline.
Comment: This sequence change replaces serine, which is neutral and polar, with asparagine, which is neutral and polar, at codon 174 of the EGFR protein (p.Ser174Asn). This variant is not present in population databases (gnomAD no frequency). This variant has not been reported in the literature in individuals affected with EGFR-related conditions. ClinVar contains an entry for this variant (Variation ID: 2061976). An algorithm developed to predict the effect of missense changes on protein structure and function outputs the following: PolyPhen-2: "Benign". The asparagine amino acid residue is found in multiple mammalian species, which suggests that this missense change does not adversely affect protein function. In summary, the available evidence is currently insufficient to determine the role of this variant in disease. Therefore, it has been classified as a Variant of Uncertain Significance.